The following is an entry in ClinVar:

NM_000443.4(ABCB4):c.1594C>A (p.Gln532Lys)

Gene: ABCB4 (ATP binding cassette subfamily B member 4; minus strand). Cytogenetic location: 7q21.12.
Variant type: single nucleotide variant.
Coding change: c.1594C>A on transcript NM_000443.4 (MANE Select); coding-DNA position 1594, C replaced by A.
Protein change: p.Gln532Lys; replaces glutamine 532 with lysine.
Molecular consequence: missense variant.
Genome position (GRCh38, 1-based): chr7:87,439,804, G>T on the plus strand (C>A on the coding strand, the complement: ABCB4 is on the minus strand). VCF-style: chr7-87439804-G-T. GRCh37 (hg19) VCF-style: chr7-87069120-G-T.
Other names: c.1594C>A, p.Gln532Lys (NM_018849.3, NM_018850.3); short protein forms Q532K.
Identifiers: ClinVar variation 3973221 (VCV003973221.2).

ClinVar aggregate classification (germline): Uncertain significance. Review status: criteria provided, multiple submitters, no conflicts (2 of 4 stars). 2 submissions from 2 submitters: Uncertain significance (2). Last evaluated 2025-11-26.

Conditions:
Inborn genetic diseases. Identifiers: MedGen C0950123, MeSH D030342.
ABCB4-related disorder. Also called: ABCB4-related disorders; ABCB4-related condition.

gnomAD v4.1: 4 of 1,614,142 alleles (0.00025%); highest among the groups gnomAD compares: Non-Finnish European, 0.00025%; no homozygotes.

Submissions (2):

PreventionGenetics, part of Exact Sciences
Classification: Uncertain significance for ABCB4-related condition. Last evaluated: 2025-11-26. Review status: criteria provided, single submitter. Criteria: ACMG Guidelines, 2015. Collection method: clinical testing. Allele origin: germline.
Comment: The ABCB4 c.1594C>A variant is predicted to result in the amino acid substitution p.Gln532Lys. To our knowledge, this variant has not been reported in the literature or in a large population database (gnomAD), indicating this variant is rare. At this time, the clinical significance of this variant is uncertain due to the absence of conclusive functional and genetic evidence.

Ambry Genetics
Classification: Uncertain significance for Inborn genetic diseases. Last evaluated: 2025-03-24. Review status: criteria provided, single submitter. Criteria: Ambry Variant Classification Scheme 2023. Collection method: clinical testing. Allele origin: germline.